The following is an entry in ClinVar:

ClinVar aggregate classification (germline): Uncertain significance (1 of 4 stars; one submission).

Submission:

Labcorp Genetics (formerly Invitae), Labcorp
Classification: Uncertain significance. Last evaluated: 2022-10-23. Review status: criteria provided, single submitter. Criteria: Invitae Variant Classification Sherloc (09022015). Collection method: clinical testing. Allele origin: germline.
Comment: This sequence change falls in intron 1 of the FBLN5 gene. It does not directly change the encoded amino acid sequence of the FBLN5 protein. It affects a nucleotide within the consensus splice site. This variant is not present in population databases (gnomAD no frequency). This variant has not been reported in the literature in individuals affected with FBLN5-related conditions. Variants that disrupt the consensus splice site are a relatively common cause of aberrant splicing (PMID: 17576681, 9536098). Algorithms developed to predict the effect of sequence changes on RNA splicing suggest that this variant is not likely to affect RNA splicing. In summary, the available evidence is currently insufficient to determine the role of this variant in disease. Therefore, it has been classified as a Variant of Uncertain Significance.

Literature cited by the submitters: PubMed 17576681; PubMed 9536098.

NM_006329.4(FBLN5):c.17+6T>G

Gene: FBLN5 (fibulin 5; minus strand). Cytogenetic location: 14q32.12.
Variant type: single nucleotide variant.
Coding change: c.17+6T>G on transcript NM_006329.4 (MANE Select); 6 bases into the intron after coding-DNA position 17, T replaced by G.
Molecular consequence: intron variant.
Genome position (GRCh38, 1-based): chr14:91,947,207, A>C on the plus strand (T>G on the coding strand, the complement: FBLN5 is on the minus strand). VCF-style: chr14-91947207-A-C. GRCh37 (hg19) VCF-style: chr14-92413551-A-C.
Other names: c.17+6T>G (NM_001384160.1, NM_001384158.1); c.-253+6T>G (NM_001384162.1, NM_001384161.1).
Identifiers: ClinVar variation 2809409 (VCV002809409.3), dbSNP rs2542923426, ClinGen allele CA2739279303.